The following is an entry in ClinVar:

NM_000057.4(BLM):c.934T>C (p.Ser312Pro)

Gene: BLM (BLM RecQ like helicase; plus strand). Cytogenetic location: 15q26.1.
Variant type: single nucleotide variant.
Coding change: c.934T>C on transcript NM_000057.4 (MANE Select); coding-DNA position 934, T replaced by C.
Protein change: p.Ser312Pro; replaces serine 312 with proline.
Molecular consequence: missense variant. On other transcripts: 5 prime UTR variant (1).
Genome position (GRCh38, 1-based): chr15:90,751,921, T>C. VCF-style: chr15-90751921-T-C. GRCh37 (hg19) VCF-style: chr15-91295151-T-C.
Other names: c.934T>C, p.Ser312Pro (NM_001287246.2, NM_001287247.2); c.-358T>C (NM_001287248.2); short protein forms S312P.
Identifiers: ClinVar variation 1766666 (VCV001766666.2), dbSNP rs372454889, ClinGen allele CA393841913.

ClinVar aggregate classification (germline): Uncertain significance (1 of 4 stars; one submission).

Conditions:
Hereditary cancer-predisposing syndrome. Also called: Hereditary Cancer Syndrome; Hereditary neoplastic syndrome; Neoplastic Syndromes, Hereditary; Tumor predisposition. Identifiers: Orphanet 140162, MedGen C0027672, MeSH D009386, MONDO:0015356.

Submission:

Ambry Genetics
Classification: Uncertain significance for Hereditary cancer-predisposing syndrome. Last evaluated: 2022-07-11. Review status: criteria provided, single submitter. Criteria: Ambry Variant Classification Scheme 2023. Collection method: clinical testing. Allele origin: germline.
Comment: The p.S312P variant (also known as c.934T>C), located in coding exon 3 of the BLM gene, results from a T to C substitution at nucleotide position 934. The serine at codon 312 is replaced by proline, an amino acid with similar properties. This amino acid position is conserved. In addition, this alteration is predicted to be tolerated by in silico analysis. Since supporting evidence is limited at this time, the clinical significance of this alteration remains unclear.